The following is an entry in ClinVar:

ClinVar aggregate classification (germline): Uncertain significance (1 of 4 stars; one submission).

Conditions:
Familial hypobetalipoproteinemia 1. Also called: APOB-Related Familial Hypobetalipoproteinemia; Hypobetalipoproteinemia, normotriglyceridemic; Acanthocytosis with hypobetalipoproteinemia. Identifiers: MedGen C4551990, MONDO:0014252, OMIM 615558.
Hypercholesterolemia, autosomal dominant, type B (FHCL2). Also called: Familial Hypercholesterolemia Type B; APOLIPOPROTEIN B-100, FAMILIAL DEFECTIVE; APOLIPOPROTEIN B-100, FAMILIAL LIGAND-DEFECTIVE; APOB-Related Familial Hypercholesterolemia, Autosomal Dominant; Familial hypercholesterolemia 2; Hyperlipoproteinemia Type IIb. Identifiers: MedGen C1704417, MONDO:0007751, OMIM 144010.

gnomAD v4.1: 2 of 1,614,110 alleles (0.00012%); highest among the groups gnomAD compares: Non-Finnish European, 0.00017%; no homozygotes.

Submission:

Labcorp Genetics (formerly Invitae), Labcorp
Classification: Uncertain significance for Familial hypobetalipoproteinemia 1; Hypercholesterolemia, autosomal dominant, type B. Last evaluated: 2024-05-28. Review status: criteria provided, single submitter. Criteria: Invitae Variant Classification Sherloc (09022015). Collection method: clinical testing. Allele origin: germline.
Comment: This sequence change replaces glutamic acid, which is acidic and polar, with aspartic acid, which is acidic and polar, at codon 2751 of the APOB protein (p.Glu2751Asp). This variant is not present in population databases (gnomAD no frequency). This variant has not been reported in the literature in individuals affected with APOB-related conditions. ClinVar contains an entry for this variant (Variation ID: 950497). Advanced modeling of protein sequence and biophysical properties (such as structural, functional, and spatial information, amino acid conservation, physicochemical variation, residue mobility, and thermodynamic stability) performed at Invitae indicates that this missense variant is not expected to disrupt APOB protein function with a negative predictive value of 95%. In summary, the available evidence is currently insufficient to determine the role of this variant in disease. Therefore, it has been classified as a Variant of Uncertain Significance.

NM_000384.3(APOB):c.8253A>C (p.Glu2751Asp)

Gene: APOB (apolipoprotein B; minus strand). Cytogenetic location: 2p24.1.
Variant type: single nucleotide variant.
Coding change: c.8253A>C on transcript NM_000384.3 (MANE Select); coding-DNA position 8253, A replaced by C.
Protein change: p.Glu2751Asp; replaces glutamic acid 2751 with aspartic acid.
Molecular consequence: missense variant.
Genome position (GRCh38, 1-based): chr2:21,008,615, T>G on the plus strand (A>C on the coding strand, the complement: APOB is on the minus strand). VCF-style: chr2-21008615-T-G. GRCh37 (hg19) VCF-style: chr2-21231487-T-G.
Other names: short protein forms E2751D.
Identifiers: ClinVar variation 950497 (VCV000950497.11), dbSNP rs371755993, ClinGen allele CA16621977.